The following is an entry in ClinVar:

NM_005633.4(SOS1):c.116A>T (p.Glu39Val)

Gene: SOS1 (SOS Ras/Rac guanine nucleotide exchange factor 1; minus strand). Cytogenetic location: 2p22.1.
Variant type: single nucleotide variant.
Coding change: c.116A>T on transcript NM_005633.4 (MANE Select); coding-DNA position 116, A replaced by T.
Protein change: p.Glu39Val; replaces glutamic acid 39 with valine.
Molecular consequence: missense variant.
Genome position (GRCh38, 1-based): chr2:39,067,725, T>A on the plus strand (A>T on the coding strand, the complement: SOS1 is on the minus strand). VCF-style: chr2-39067725-T-A. GRCh37 (hg19) VCF-style: chr2-39294866-T-A.
Other names: c.95A>T, p.Glu32Val (NM_001382394.1); c.116A>T, p.Glu39Val (NM_001382395.1); short protein forms E32V, E39V.
Identifiers: ClinVar variation 1915324 (VCV001915324.7), dbSNP rs1391761076, ClinGen allele CA346374310.

ClinVar aggregate classification (germline): Conflicting classifications of pathogenicity. Review status: criteria provided, conflicting classifications (1 of 4 stars). 2 submissions from 2 submitters: Uncertain significance (1); Likely benign (1). Last evaluated 2025-07-02.

Conditions:
RASopathy. Also called: Noonan spectrum disorder; rasopathies. Identifiers: Orphanet 536391, MedGen C5555857, MONDO:0021060.
Cardiovascular phenotype. Identifiers: MedGen CN230736.

Allele frequency attached by ClinVar (database versions not stated): gnomAD exomes below 0.00001.
gnomAD v4.1: 1 of 1,612,768 alleles (0.000062%); highest among the groups gnomAD compares: Admixed American, 0.0017%; no homozygotes.

Submissions (2):

Labcorp Genetics (formerly Invitae), Labcorp
Classification: Likely benign for RASopathy. Last evaluated: 2025-07-02. Review status: criteria provided, single submitter. Criteria: Invitae Variant Classification Sherloc (09022015). Collection method: clinical testing. Allele origin: germline.

Ambry Genetics
Classification: Uncertain significance for Cardiovascular phenotype. Last evaluated: 2023-05-26. Review status: criteria provided, single submitter. Criteria: Ambry Variant Classification Scheme 2023. Collection method: clinical testing. Allele origin: germline.
Comment: The p.E39V variant (also known as c.116A>T), located in coding exon 2 of the SOS1 gene, results from an A to T substitution at nucleotide position 116. The glutamic acid at codon 39 is replaced by valine, an amino acid with dissimilar properties. This amino acid position is conserved. In addition, this alteration is predicted to be tolerated by in silico analysis. Since supporting evidence is limited at this time, the clinical significance of this alteration remains unclear.